The following is an entry in ClinVar:

NM_004820.5(CYP7B1):c.104T>C (p.Leu35Ser)

Gene: CYP7B1 (cytochrome P450 family 7 subfamily B member 1; minus strand). Cytogenetic location: 8q12.3.
Variant type: single nucleotide variant.
Coding change: c.104T>C on transcript NM_004820.5 (MANE Select); coding-DNA position 104, T replaced by C.
Protein change: p.Leu35Ser; replaces leucine 35 with serine.
Molecular consequence: missense variant.
Genome position (GRCh38, 1-based): chr8:64,798,484, A>G on the plus strand (T>C on the coding strand, the complement: CYP7B1 is on the minus strand). VCF-style: chr8-64798484-A-G. GRCh37 (hg19) VCF-style: chr8-65711041-A-G.
Other names: c.104T>C, p.Leu35Ser (NM_001324112.2); short protein forms L35S.
Identifiers: ClinVar variation 1364541 (VCV001364541.8), dbSNP rs2129747643, ClinGen allele CA371408163.

ClinVar aggregate classification (germline): Uncertain significance (1 of 4 stars; one submission).

Conditions:
Spastic paraplegia. Identifiers: MedGen C0037772, HP:0001258.

Submission:

Labcorp Genetics (formerly Invitae), Labcorp
Classification: Uncertain significance for Spastic paraplegia. Last evaluated: 2022-08-09. Review status: criteria provided, single submitter. Criteria: Invitae Variant Classification Sherloc (09022015). Collection method: clinical testing. Allele origin: germline.
Comment: ClinVar contains an entry for this variant (Variation ID: 1364541). In summary, the available evidence is currently insufficient to determine the role of this variant in disease. Therefore, it has been classified as a Variant of Uncertain Significance. Algorithms developed to predict the effect of missense changes on protein structure and function are either unavailable or do not agree on the potential impact of this missense change (SIFT: "Deleterious"; PolyPhen-2: "Benign"; Align-GVGD: "Class C0"). This variant has not been reported in the literature in individuals affected with CYP7B1-related conditions. This variant is not present in population databases (gnomAD no frequency). This sequence change replaces leucine, which is neutral and non-polar, with serine, which is neutral and polar, at codon 35 of the CYP7B1 protein (p.Leu35Ser).